The following is an entry in ClinVar:

NM_014425.5(INVS):c.2428C>T (p.Arg810Cys)

Gene: INVS (inversin; plus strand). Cytogenetic location: 9q31.1.
Variant type: single nucleotide variant.
Coding change: c.2428C>T on transcript NM_014425.5 (MANE Select); coding-DNA position 2428, C replaced by T.
Protein change: p.Arg810Cys; replaces arginine 810 with cysteine.
Molecular consequence: missense variant. On other transcripts: non-coding transcript variant (1).
Genome position (GRCh38, 1-based): chr9:100,292,685, C>T. VCF-style: chr9-100292685-C-T. GRCh37 (hg19) VCF-style: chr9-103054967-C-T.
Other names: c.2140C>T, p.Arg714Cys (NM_001318381.2); c.1450C>T, p.Arg484Cys (NM_001318382.2); short protein forms R810C, R484C, R714C.
Identifiers: ClinVar variation 462713 (VCV000462713.6), dbSNP rs984016152, ClinGen allele CA196895740.

ClinVar aggregate classification (germline): Uncertain significance (1 of 4 stars; one submission).

Conditions:
Nephronophthisis. Also called: Juvenile Nephronophthisis. Identifiers: Orphanet 655, MedGen C0687120, MONDO:0019005, HP:0000090.

Allele frequency attached by ClinVar (database versions not stated): gnomAD exomes below 0.00001 and 0.00001; TOPMed below 0.00001.
gnomAD v4.1: 8 of 1,614,150 alleles (0.0005%); highest among the groups gnomAD compares: Admixed American, 0.0033%; no homozygotes.

Submission:

Labcorp Genetics (formerly Invitae), Labcorp
Classification: Uncertain significance for Nephronophthisis. Last evaluated: 2022-07-12. Review status: criteria provided, single submitter. Criteria: Invitae Variant Classification Sherloc (09022015). Collection method: clinical testing. Allele origin: germline.
Comment: This sequence change replaces arginine, which is basic and polar, with cysteine, which is neutral and slightly polar, at codon 810 of the INVS protein (p.Arg810Cys). This variant is present in population databases (no rsID available, gnomAD 0.006%). This variant has not been reported in the literature in individuals affected with INVS-related conditions. ClinVar contains an entry for this variant (Variation ID: 462713). Algorithms developed to predict the effect of missense changes on protein structure and function are either unavailable or do not agree on the potential impact of this missense change (SIFT: "Deleterious"; PolyPhen-2: "Probably Damaging"; Align-GVGD: "Class C0"). In summary, the available evidence is currently insufficient to determine the role of this variant in disease. Therefore, it has been classified as a Variant of Uncertain Significance.